The following is an entry in ClinVar:

NM_006019.4(TCIRG1):c.2051dup (p.Ser685fs)

Gene: TCIRG1 (T cell immune regulator 1, ATPase H+ transporting V0 subunit a3; plus strand). Cytogenetic location: 11q13.2.
Variant type: Duplication.
Coding change: c.2051dup on transcript NM_006019.4 (MANE Select); coding-DNA position 2051, one base duplicated (C; older notation c.2051dupC).
Protein change: p.Ser685fs; shifts the reading frame from serine 685.
Molecular consequence: frameshift variant.
Genome position (GRCh38, 1-based): chr11:68,049,999, C duplicated. VCF-style (leftmost placement, unchanged base first): chr11-68049998-G-GC. GRCh37 (hg19) VCF-style: chr11-67817465-G-GC.
Other names: c.1157dup, p.Ser387fs (NM_001351059.2); c.1403dup, p.Ser469fs (NM_006053.4); short protein forms S469fs, S685fs, S387fs.
Identifiers: ClinVar variation 422567 (VCV000422567.2), dbSNP rs1554999769, ClinGen allele CA16619387.
Genomic context (GRCh38, chr11:68,049,998, plus strand): 5'-CAACACTGCCTGCTCATGCCCCAGGAGGAAAACAAGGCCGGGTTGCTGGACCTGCCTGAC[G>GC]CATCTGTGAATGGCTGGAGCTCCGATGAGGAAAAGGCAGGGGGCCTGGATGATGAAGAGG-3'

ClinVar aggregate classification (germline): Likely pathogenic (1 of 4 stars; one submission).

Submission:

GeneDx
Classification: Likely pathogenic. Last evaluated: 2018-05-15. Review status: criteria provided, single submitter. Criteria: GeneDx Variant Classification (06012015). Collection method: clinical testing. Allele origin: germline. Affected: yes.
Comment: The c.2051dupC variant in the TCIRG1 gene has not been reported previously as a pathogenic variant nor as a benign variant, to our knowledge. The c.2051dupC variant causes a frameshift starting with codon Serine 685, changes this amino acid to an Isoleucine residue, and creates a premature Stop codon at position 9 of the new reading frame, denoted p.Ser685IlefsX9. This variant is predicted to cause loss of normal protein function either through protein truncation or nonsense-mediated mRNA decay. The c.2051dupC variant was not observed in approximately 6,500 individuals of European and African American ancestry in the NHLBI Exome Sequencing Project, indicating it is not a common benign variant in these populations. We interpret c.2051dupC as a likely pathogenic variant.